The following is an entry in ClinVar:

NM_000038.6(APC):c.6799G>A (p.Ala2267Thr)

Gene: APC (APC regulator of Wnt signaling pathway; plus strand). Cytogenetic location: 5q22.2.
Variant type: single nucleotide variant.
Coding change: c.6799G>A on transcript NM_000038.6 (MANE Select); coding-DNA position 6799, G replaced by A.
Protein change: p.Ala2267Thr; replaces alanine 2267 with threonine.
Molecular consequence: missense variant. On other transcripts: non-coding transcript variant (2).
Genome position (GRCh38, 1-based): chr5:112,842,393, G>A. VCF-style: chr5-112842393-G-A. GRCh37 (hg19) VCF-style: chr5-112178090-G-A.
Other names: c.6799G>A, p.Ala2267Thr (NM_001127510.3, NM_001354895.2, NM_001407450.1); c.6745G>A, p.Ala2249Thr (NM_001127511.3); c.6853G>A, p.Ala2285Thr (NM_001354896.2, NM_001407447.1, NM_001407448.1 and 1 more transcripts); c.6829G>A, p.Ala2277Thr (NM_001354897.2); c.6724G>A, p.Ala2242Thr (NM_001354898.2); c.6715G>A, p.Ala2239Thr (NM_001354899.2); c.6676G>A, p.Ala2226Thr (NM_001354900.2); c.6622G>A, p.Ala2208Thr (NM_001354901.2, NM_001407453.1); and 11 more; short protein forms A1984T, A2107T, A2138T, A2166T, A2176T, A2208T, A2226T, A2239T.
Identifiers: ClinVar variation 5024504 (VCV005024504.1).

ClinVar aggregate classification (germline): Uncertain significance (1 of 4 stars; one submission).

Conditions:
Hereditary cancer-predisposing syndrome. Also called: Neoplastic Syndromes, Hereditary; Tumor predisposition; Hereditary neoplastic syndrome; Hereditary Cancer Syndrome. Identifiers: Orphanet 140162, MedGen C0027672, MeSH D009386, MONDO:0015356.

Submission:

Ambry Genetics
Classification: Uncertain significance for Hereditary cancer-predisposing syndrome. Last evaluated: 2026-07-07. Review status: criteria provided, single submitter. Criteria: Ambry Variant Classification Scheme 2023. Collection method: clinical testing. Allele origin: germline.
Comment: The p.A2267T variant (also known as c.6799G>A), located in coding exon 15 of the APC gene, results from a G to A substitution at nucleotide position 6799. The alanine at codon 2267 is replaced by threonine, an amino acid with similar properties. This amino acid position is conserved. In addition, in silico predictors for this gene do not accurately predict pathogenicity. Based on the available evidence, the clinical significance of this variant remains unclear.